The following is an entry in ClinVar:

NM_004560.4(ROR2):c.762C>T (p.Asp254=)

Gene: ROR2 (ROR family WNT receptor 2; minus strand). Cytogenetic location: 9q22.31.
Variant type: single nucleotide variant.
Coding change: c.762C>T on transcript NM_004560.4 (MANE Select); coding-DNA position 762, C replaced by T.
Protein change: p.Asp254=; no amino-acid change (aspartic acid 254 retained).
Molecular consequence: synonymous variant.
Genome position (GRCh38, 1-based): chr9:91,733,297, G>A on the plus strand (C>T on the coding strand, the complement: ROR2 is on the minus strand). VCF-style: chr9-91733297-G-A. GRCh37 (hg19) VCF-style: chr9-94495579-G-A.
Other names: c.762C>T, p.Asp254= (NM_001318204.2).
Identifiers: ClinVar variation 3053607 (VCV003053607.2), dbSNP rs775610296, ClinGen allele CA5120898.

ClinVar aggregate classification (germline): Likely benign (0 of 4 stars; one submission).

Conditions:
ROR2-related disorder. Also called: ROR2-related disorders; ROR2-related condition.

Allele frequency attached by ClinVar (database versions not stated): ExAC 0.00004; TOPMed 0.00006; gnomAD 0.00007.
gnomAD v4.1: 84 of 1,612,734 alleles (0.0052%); highest among the groups gnomAD compares: African/African-American, 0.012%; 1 homozygote.

Submission:

PreventionGenetics, part of Exact Sciences
Classification: Likely benign for ROR2-related condition. Last evaluated: 2019-09-05. Review status: no assertion criteria provided. Collection method: clinical testing. Allele origin: germline.
Comment: This variant is classified as likely benign based on ACMG/AMP sequence variant interpretation guidelines (Richards et al. 2015 PMID: 25741868, with internal and published modifications).